The following is an entry in ClinVar:

NM_001082971.2(DDC):c.232G>T (p.Ala78Ser)

Genes: DDC (dopa decarboxylase; minus strand), DDC-AS1 (DDC antisense RNA 1; plus strand). Cytogenetic location: 7p12.1.
Variant type: single nucleotide variant.
Coding change: c.232G>T on transcript NM_001082971.2 (MANE Select); coding-DNA position 232, G replaced by T.
Protein change: p.Ala78Ser; replaces alanine 78 with serine.
Molecular consequence: missense variant. On other transcripts: non-coding transcript variant (1), intron variant (2).
Genome position (GRCh38, 1-based): chr7:50,539,998, C>A on the plus strand (G>T on the coding strand, the complement: DDC is on the minus strand). VCF-style: chr7-50539998-C-A. GRCh37 (hg19) VCF-style: chr7-50607696-C-A.
Other names: c.232G>T, p.Ala78Ser (NM_000790.4, NM_001242887.2, NM_001242889.2 and 1 more transcripts); c.201+3887G>T (NM_001242888.2); c.202-2019G>T (NM_001242886.2); short protein forms A78S.
Identifiers: ClinVar variation 949757 (VCV000949757.9), dbSNP rs140276979, ClinGen allele CA4262441.

ClinVar aggregate classification (germline): Conflicting classifications of pathogenicity. Review status: criteria provided, conflicting classifications (1 of 4 stars). 3 submissions from 3 submitters: Pathogenic (1); Uncertain significance (2). Last evaluated 2026-03-05.

Conditions:
Inborn genetic diseases. Identifiers: MedGen C0950123, MeSH D030342.
Deficiency of aromatic-L-amino-acid decarboxylase. Also called: Aromatic amino acid decarboxylase deficiency; AADC DEFICIENCY; DDC DEFICIENCY; DOPA DECARBOXYLASE DEFICIENCY; Aromatic L-Amino Acid Decarboxylase Deficiency. Identifiers: Orphanet 35708, MedGen C1291564, MONDO:0012084, OMIM 608643.

Allele frequency attached by ClinVar (database versions not stated): ExAC 0.00001; gnomAD 0.00002 and 0.00003; TOPMed 0.00002; ESP Exome Variant Server 0.00008.
gnomAD v4.1: 7 of 1,613,740 alleles (0.00043%); highest among the groups gnomAD compares: African/African-American, 0.0093%; no homozygotes.

Submissions (3):

Mendelics
Classification: Pathogenic for Deficiency of aromatic-L-amino-acid decarboxylase. Last evaluated: 2026-03-05. Review status: criteria provided, single submitter. Criteria: ACMG Guidelines, 2015. Collection method: clinical testing. Allele origin: unknown.
Comment: Likely pathogenic/Pathogenic according to ACMG criteria.

Labcorp Genetics (formerly Invitae), Labcorp
Classification: Uncertain significance for Deficiency of aromatic-L-amino-acid decarboxylase. Last evaluated: 2022-10-17. Review status: criteria provided, single submitter. Criteria: Invitae Variant Classification Sherloc (09022015). Collection method: clinical testing. Allele origin: germline.
Comment: This sequence change replaces alanine, which is neutral and non-polar, with serine, which is neutral and polar, at codon 78 of the DDC protein (p.Ala78Ser). This variant is not present in population databases (gnomAD no frequency). This variant has not been reported in the literature in individuals affected with DDC-related conditions. ClinVar contains an entry for this variant (Variation ID: 949757). Advanced modeling of protein sequence and biophysical properties (such as structural, functional, and spatial information, amino acid conservation, physicochemical variation, residue mobility, and thermodynamic stability) performed at Invitae indicates that this missense variant is not expected to disrupt DDC protein function. In summary, the available evidence is currently insufficient to determine the role of this variant in disease. Therefore, it has been classified as a Variant of Uncertain Significance.

Ambry Genetics
Classification: Uncertain significance for Inborn genetic diseases. Last evaluated: 2020-10-21. Review status: criteria provided, single submitter. Criteria: Ambry Variant Classification Scheme 2023. Collection method: clinical testing. Allele origin: germline.
Comment: The c.232G>T (p.A78S) alteration is located in exon 3 (coding exon 2) of the DDC gene. This alteration results from a G to T substitution at nucleotide position 232, causing the alanine (A) at amino acid position 78 to be replaced by a serine (S). Based on data from the Genome Aggregation Database (gnomAD) database, the DDC c.232G>T alteration was observed in <0.01% (1/250480) of total alleles studied, with a frequency of 0.01% (1/16158) in the African subpopulation. This amino acid position is highly conserved in available vertebrate species. The p.A78S alteration is predicted to be tolerated by in silico analysis. Based on insufficient or conflicting evidence, the clinical significance of this alteration remains unclear.